The following is an entry in ClinVar:

NM_000093.5(COL5A1):c.2281C>A (p.Pro761Thr)

Gene: COL5A1 (collagen type V alpha 1 chain; plus strand). Cytogenetic location: 9q34.3.
Variant type: single nucleotide variant.
Coding change: c.2281C>A on transcript NM_000093.5 (MANE Select); coding-DNA position 2281, C replaced by A.
Protein change: p.Pro761Thr; replaces proline 761 with threonine.
Molecular consequence: missense variant.
Genome position (GRCh38, 1-based): chr9:134,768,458, C>A. VCF-style: chr9-134768458-C-A. GRCh37 (hg19) VCF-style: chr9-137660304-C-A.
Other names: c.2281C>A, p.Pro761Thr (NM_001278074.1); short protein forms P761T.
Identifiers: ClinVar variation 1788944 (VCV001788944.2), dbSNP rs140486644, ClinGen allele CA375449623.

ClinVar aggregate classification (germline): Uncertain significance (1 of 4 stars; one submission).

Conditions:
Familial thoracic aortic aneurysm and aortic dissection (TAAD). Also called: Thoracic aortic aneurysms and dissections. Identifiers: Orphanet 91387, MedGen C4707243, MONDO:0019625.

Submission:

Ambry Genetics
Classification: Uncertain significance for Familial thoracic aortic aneurysm and aortic dissection. Last evaluated: 2022-08-17. Review status: criteria provided, single submitter. Criteria: Ambry Variant Classification Scheme 2023. Collection method: clinical testing. Allele origin: germline.
Comment: The p.P761T variant (also known as c.2281C>A), located in coding exon 25 of the COL5A1 gene, results from a C to A substitution at nucleotide position 2281. The proline at codon 761 is replaced by threonine, an amino acid with highly similar properties. This amino acid position is highly conserved in available vertebrate species. In addition, the in silico prediction for this alteration is inconclusive. Since supporting evidence is limited at this time, the clinical significance of this alteration remains unclear.